The following is an entry in ClinVar:

NM_000321.3(RB1):c.2553G>T (p.Met851Ile)

Gene: RB1 (RB transcriptional corepressor 1; plus strand). Cytogenetic location: 13q14.2.
Variant type: single nucleotide variant.
Coding change: c.2553G>T on transcript NM_000321.3 (MANE Select); coding-DNA position 2553, G replaced by T.
Protein change: p.Met851Ile; replaces methionine 851 with isoleucine.
Molecular consequence: missense variant. On other transcripts: initiator codon variant (1).
Genome position (GRCh38, 1-based): chr13:48,476,733, G>T. VCF-style: chr13-48476733-G-T. GRCh37 (hg19) VCF-style: chr13-49050869-G-T.
Other names: c.2553G>T, p.Met851Ile (NM_001407165.1); c.3G>T, p.Met1Ile (NM_001407168.1); short protein forms M1I, M851I.
Identifiers: ClinVar variation 3430902 (VCV003430902.2).

ClinVar aggregate classification (germline): Uncertain significance. Review status: criteria provided, multiple submitters, no conflicts (2 of 4 stars). 2 submissions from 2 submitters: Uncertain significance (2). Last evaluated 2025-10-23.

Conditions:
Hereditary cancer-predisposing syndrome. Also called: Neoplastic Syndromes, Hereditary; Tumor predisposition; Hereditary Cancer Syndrome; Hereditary neoplastic syndrome. Identifiers: Orphanet 140162, MedGen C0027672, MeSH D009386, MONDO:0015356.
Retinoblastoma (RB1). Also called: RETINOBLASTOMA, SOMATIC. Identifiers: Orphanet 790, MedGen C0035335, MeSH D012175, MONDO:0008380, OMIM 180200, HP:0009919. Disease mechanism: loss of function. Inheritance: Both sporadic and heritable forms are tested..

gnomAD v4.1: 1 of 1,613,256 alleles (0.000062%); highest among the groups gnomAD compares: Non-Finnish European, 0.000085%; no homozygotes.

Submissions (2):

Labcorp Genetics (formerly Invitae), Labcorp
Classification: Uncertain significance for Retinoblastoma. Last evaluated: 2025-10-23. Review status: criteria provided, single submitter. Criteria: Invitae Variant Classification Sherloc (09022015). Collection method: clinical testing. Allele origin: germline.
Comment: This sequence change replaces methionine, which is neutral and non-polar, with isoleucine, which is neutral and non-polar, at codon 851 of the RB1 protein (p.Met851Ile). This variant is not present in population databases (gnomAD no frequency). This variant has not been reported in the literature in individuals affected with RB1-related conditions. ClinVar contains an entry for this variant (Variation ID: 3430902). Invitae Evidence Modeling of protein sequence and biophysical properties (such as structural, functional, and spatial information, amino acid conservation, physicochemical variation, residue mobility, and thermodynamic stability) indicates that this missense variant is not expected to disrupt RB1 protein function with a negative predictive value of 80%. In summary, the available evidence is currently insufficient to determine the role of this variant in disease. Therefore, it has been classified as a Variant of Uncertain Significance.

Ambry Genetics
Classification: Uncertain significance for Hereditary cancer-predisposing syndrome. Last evaluated: 2024-10-11. Review status: criteria provided, single submitter. Criteria: Ambry Variant Classification Scheme 2023. Collection method: clinical testing. Allele origin: germline.
Comment: The p.M851I variant (also known as c.2553G>T), located in coding exon 25 of the RB1 gene, results from a G to T substitution at nucleotide position 2553. The methionine at codon 851 is replaced by isoleucine, an amino acid with highly similar properties. This amino acid position is conserved. In addition, the in silico prediction for this alteration is inconclusive. Based on the available evidence, the clinical significance of this variant remains unclear.